The following is an entry in ClinVar:

NM_153717.3(EVC):c.1803del (p.Ser602fs)

Gene: EVC (EvC ciliary complex subunit 1; plus strand). Cytogenetic location: 4p16.2.
Variant type: Deletion.
Coding change: c.1803del on transcript NM_153717.3 (MANE Select); coding-DNA position 1803, one base deleted (C; older notation c.1803delC).
Protein change: p.Ser602fs; shifts the reading frame from serine 602.
Molecular consequence: frameshift variant.
Genome position (GRCh38, 1-based): chr4:5,793,634, C deleted; the last of 2 consecutive C bases (chr4:5,793,633-5,793,634); deleting either gives the same sequence. VCF-style (leftmost placement, unchanged base first): chr4-5793632-TC-T. GRCh37 (hg19) VCF-style: chr4-5795359-TC-T.
Other names: c.1803del, p.Ser602fs (NM_001306090.2); short protein forms S602fs.
Identifiers: ClinVar variation 1726940 (VCV001726940.2), dbSNP rs2474306346, ClinGen allele CA2580070985.

ClinVar aggregate classification (germline): Likely pathogenic (1 of 4 stars; one submission).

Conditions:
Ellis-van Creveld syndrome (EVC). Also called: EVC-Related Ellis-van Creveld Syndrome; EVC2-Related Ellis-van Creveld Syndrome; MESOECTODERMAL DYSPLASIA; Chondroectodermal dysplasia. Identifiers: Orphanet 289, MedGen C0013903, MONDO:0009162, OMIM 225500.

Submission:

Myriad Genetics, Inc.
Classification: Likely pathogenic for Ellis-van Creveld syndrome. Last evaluated: 2022-01-02. Review status: criteria provided, single submitter. Criteria: Myriad Women's Health Autosomal Recessive and X-Linked Classification Criteria (2021). Collection method: clinical testing. Allele origin: unknown.
Comment: NM_153717.2(EVC):c.1803delC(S602Afs*58) is expected to be pathogenic in the context of EVC-related Ellis-van Creveld syndrome. This variant is predicted to lead to an abnormal or absent protein product due to the creation of a premature termination codon in EVC, a gene where loss-of-function variants are known to be pathogenic. Please note: this variant was assessed in the context of healthy population screening.